The following is an entry in ClinVar:

NM_004463.3(FGD1):c.1637_1638del

Gene: FGD1 (FYVE, RhoGEF and PH domain containing 1; minus strand). Cytogenetic location: Xp11.22.
Variant type: Microsatellite.
Coding change: c.1637_1638del on transcript NM_004463.3 (MANE Select); coding-DNA positions 1637 to 1638, 2 bases deleted (AG; older notation c.1637_1638delAG).
Molecular consequence: splice acceptor variant.
Genome position (GRCh38, 1-based): chrX:54,456,566-54,456,567, CT deleted on the plus strand (AG on the coding strand, the reverse complement: FGD1 is on the minus strand); deleting any 2 consecutive bases within chrX:54,456,566-54,456,569 gives the same sequence; the c. name uses the placement nearest the transcript's 3' end. VCF-style (leftmost placement, unchanged base first): chrX-54456565-ACT-A. GRCh37 (hg19) VCF-style: chrX-54482998-ACT-A.
Identifiers: ClinVar variation 4294460 (VCV004294460.1).
Genomic context (GRCh38, chrX:54,456,565, plus strand): 5'-TCACCATTTTGCGGATGGCAGCATTCGAGTGCTCTGCTGCTGTGGCGATCAGCTCCAGAG[ACT>A]CTACAGGCATAGAGGGGTGAGGTCAGATGGGGGACTAGCAGAGAGGAGCCTTTCCGGGGC-3'

ClinVar aggregate classification (germline): Likely pathogenic (1 of 4 stars; one submission).

Conditions:
Aarskog syndrome (AAS). Also called: FGD1-Related Faciogenital Dysplasia (Aarskog-Scott Syndrome); FGDY; Aarskog-Scott syndrome, X-linked; Aarskog Scott syndrome; Aarskog disease. Identifiers: Orphanet 915, MedGen C0175701, MONDO:0010589, OMIM 305400.

Submission:

Molecular Genetics Department, Kulakov National Medical Research Center for Obstetrics, Gynecology and Perinatology
Classification: Likely pathogenic for Aarskog syndrome. Review status: criteria provided, single submitter. Criteria: ACMG Guidelines, 2015. Collection method: clinical testing. Allele origin: germline. Affected: yes. Observed: 1 variant allele.
Comment: A previously undescribed hemizygous nucleotide variant creates a frameshift p.Lys546IlefsTer24 in the FGD1 gene. Hemizygous variant are reported in patients with Aarskog-Scott syndrome; Intellectual developmental disorder, X-linked syndromic 16, 305400. The variant is not present in population database (gnomAD no frequency). In summary, the currently available evidence indicates that the variant is pathogenic, but additional data are needed to prove that conclusively. Therefore, this variant has been classified as likely pathogenic.